The following is an entry in ClinVar:

NM_001292063.2(OTOG):c.2606-16TCT[2]

Gene: OTOG (otogelin; plus strand). Cytogenetic location: 11p15.1.
Variant type: Microsatellite.
Coding change: c.2606-16TCT[2] on transcript NM_001292063.2 (MANE Select); two copies in a row of the 3-base unit TCT starting at c.2606-16; the reference has three copies in a row; one copy, 3 bases deleted.
Molecular consequence: intron variant.
Genome position (GRCh38, 1-based): chr11:17,578,363-17,578,365, TCT deleted; deleting any 3 consecutive bases within chr11:17,578,357-17,578,365 gives the same sequence; the position shown is the placement nearest the transcript's 3' end. VCF-style (leftmost placement, unchanged base first): chr11-17578356-ATCT-A. GRCh37 (hg19) VCF-style: chr11-17599903-ATCT-A.
Other names: c.2642-16TCT[2] (NM_001277269.2).
Identifiers: ClinVar variation 3031044 (VCV003031044.2), dbSNP rs771196854, ClinGen allele CA5905650.

ClinVar aggregate classification (germline): Likely benign (0 of 4 stars; one submission).

Conditions:
OTOG-related disorder. Also called: OTOG-related condition.

Submission:

PreventionGenetics, part of Exact Sciences
Classification: Likely benign for OTOG-related condition. Last evaluated: 2021-03-31. Review status: no assertion criteria provided. Collection method: clinical testing. Allele origin: germline.
Comment: This variant is classified as likely benign based on ACMG/AMP sequence variant interpretation guidelines (Richards et al. 2015 PMID: 25741868, with internal and published modifications).